The following is an entry in ClinVar:

NM_021930.6(RINT1):c.769C>A (p.Pro257Thr)

Gene: RINT1 (RAD50 interactor 1; plus strand). Cytogenetic location: 7q22.3.
Variant type: single nucleotide variant.
Coding change: c.769C>A on transcript NM_021930.6 (MANE Select); coding-DNA position 769, C replaced by A.
Protein change: p.Pro257Thr; replaces proline 257 with threonine.
Molecular consequence: missense variant. On other transcripts: 5 prime UTR variant (2), non-coding transcript variant (1), intron variant (1).
Genome position (GRCh38, 1-based): chr7:105,547,263, C>A. VCF-style: chr7-105547263-C-A. GRCh37 (hg19) VCF-style: chr7-105187710-C-A.
Other names: c.535C>A, p.Pro179Thr (NM_001346599.2); c.-251C>A (NM_001346600.2); c.-154C>A (NM_001346601.2); c.-27-2792C>A (NM_001346603.2); short protein forms P257T, P179T.
Identifiers: ClinVar variation 5028277 (VCV005028277.1).
Genomic context (GRCh38, chr7:105,547,263, plus strand): 5'-GCACAGCTTCATTGGCCATTCATCGCACCCCCTCAATCACAAACTGTTGGCTTAAGTCGA[C>A]CTGCCAGTGCCCCGGAGATATACAGTTACCTGGAGACACTGTTTTGTCAGCTTTTGAAAC-3'
Protein context (NP_068749.3, residues 247-267): PQSQTVGLSR[Pro257Thr]ASAPEIYSYL

ClinVar aggregate classification (germline): Uncertain significance (1 of 4 stars; one submission).

Submission:

Ambry Genetics
Classification: Uncertain significance. Last evaluated: 2026-07-11. Review status: criteria provided, single submitter. Criteria: Ambry Variant Classification Scheme 2023. Collection method: clinical testing. Allele origin: germline.
Comment: The p.P257T variant (also known as c.769C>A), located in coding exon 6 of the RINT1 gene, results from a C to A substitution at nucleotide position 769. The proline at codon 257 is replaced by threonine, an amino acid with highly similar properties. This amino acid position is conserved. In addition, this alteration is predicted to be tolerated by in silico analysis. Based on the available evidence, the clinical significance of this variant remains unclear.